The following is an entry in ClinVar:

ClinVar aggregate classification (germline): Uncertain significance (1 of 4 stars; one submission).

Submission:

Labcorp Genetics (formerly Invitae), Labcorp
Classification: Uncertain significance. Last evaluated: 2025-09-14. Review status: criteria provided, single submitter. Criteria: Invitae Variant Classification Sherloc (09022015). Collection method: clinical testing. Allele origin: germline.
Comment: This sequence change replaces proline, which is neutral and non-polar, with leucine, which is neutral and non-polar, at codon 36 of the TRPV6 protein (p.Pro36Leu). This variant is present in population databases (no rsID available, gnomAD 0.06%). This variant has not been reported in the literature in individuals affected with TRPV6-related conditions. ClinVar contains an entry for this variant (Variation ID: 3625389). Experimental studies and prediction algorithms are not available or were not evaluated, and the functional significance of this variant is currently unknown. In summary, the available evidence is currently insufficient to determine the role of this variant in disease. Therefore, it has been classified as a Variant of Uncertain Significance.

NM_018646.6(TRPV6):c.107C>T (p.Pro36Leu)

Gene: TRPV6 (transient receptor potential cation channel subfamily V member 6; minus strand). Cytogenetic location: 7q34.
Variant type: single nucleotide variant.
Coding change: c.107C>T on transcript NM_018646.6 (MANE Select); coding-DNA position 107, C replaced by T.
Protein change: p.Pro36Leu; replaces proline 36 with leucine.
Molecular consequence: missense variant.
Genome position (GRCh38, 1-based): chr7:142,885,530, G>A on the plus strand (C>T on the coding strand, the complement: TRPV6 is on the minus strand). VCF-style: chr7-142885530-G-A. GRCh37 (hg19) VCF-style: chr7-142583275-G-A.
Other names: short protein forms P36L.
Identifiers: ClinVar variation 3625389 (VCV003625389.2).